The following is an entry in ClinVar:

ClinVar aggregate classification (germline): Uncertain significance (1 of 4 stars; one submission).

Conditions:
Dilated cardiomyopathy 1G (CMD1G). Identifiers: Orphanet 154, MedGen C1858763, MONDO:0011400, OMIM 604145.
Autosomal recessive limb-girdle muscular dystrophy type 2J (LGMDR10). Also called: Limb-girdle muscular dystrophy, type 2J; MUSCULAR DYSTROPHY, LIMB-GIRDLE, AUTOSOMAL RECESSIVE 10. Identifiers: Orphanet 140922, MedGen C1837342, MONDO:0012127, OMIM 608807.

Submission:

Labcorp Genetics (formerly Invitae), Labcorp
Classification: Uncertain significance for Dilated cardiomyopathy 1G; Autosomal recessive limb-girdle muscular dystrophy type 2J. Last evaluated: 2024-01-09. Review status: criteria provided, single submitter. Criteria: Invitae Variant Classification Sherloc (09022015). Collection method: clinical testing. Allele origin: germline.
Comment: This sequence change replaces glutamic acid, which is acidic and polar, with lysine, which is basic and polar, at codon 4791 of the TTN protein (p.Glu4791Lys). This variant also falls at the last nucleotide of exon 49, which is part of the consensus splice site for this exon. This variant is not present in population databases (gnomAD no frequency). This variant has not been reported in the literature in individuals affected with TTN-related conditions. Experimental studies and prediction algorithms are not available or were not evaluated, and the functional significance of this variant is currently unknown. Variants that disrupt the consensus splice site are a relatively common cause of aberrant splicing (PMID: 17576681, 9536098). Algorithms developed to predict the effect of sequence changes on RNA splicing suggest that this variant may disrupt the consensus splice site. This variant is located in the I band of TTN (PMID: 25589632). Non-truncating variants in this region may be clinically relevant, but have not been definitively shown to cause cardiomyopathy or neuromuscular disease (PMID: 27493940, 32778822). In summary, the available evidence is currently insufficient to determine the role of this variant in disease. Therefore, it has been classified as a Variant of Uncertain Significance.

Literature cited by the submitters: PubMed 17576681; PubMed 9536098; PubMed 25589632; PubMed 27493940; PubMed 32778822.

NM_001267550.2(TTN):c.14371G>A (p.Glu4791Lys)

Gene: TTN (titin; minus strand). Cytogenetic location: 2q31.2.
Variant type: single nucleotide variant.
Coding change: c.14371G>A on transcript NM_001267550.2 (MANE Select); coding-DNA position 14371, G replaced by A.
Protein change: p.Glu4791Lys; replaces glutamic acid 4791 with lysine.
Molecular consequence: missense variant.
Genome position (GRCh38, 1-based): chr2:178,738,082, C>T on the plus strand (G>A on the coding strand, the complement: TTN is on the minus strand). VCF-style: chr2-178738082-C-T. GRCh37 (hg19) VCF-style: chr2-179602809-C-T.
Other names: c.13420G>A, p.Glu4474Lys (NM_001256850.1); c.13282G>A, p.Val4428Met (NM_003319.4); c.10639G>A, p.Glu3547Lys (NM_133378.4); c.13657G>A, p.Val4553Met (NM_133432.3); c.13858G>A, p.Val4620Met (NM_133437.4); short protein forms V4428M, E4791K, V4553M, V4620M, E3547K, E4474K.
Identifiers: ClinVar variation 2922064 (VCV002922064.3), dbSNP rs2530523402, ClinGen allele CA349601686.